The following is an entry in ClinVar:

ClinVar aggregate classification (germline): Uncertain significance (1 of 4 stars; one submission).

Allele frequency attached by ClinVar (database versions not stated): gnomAD exomes 0.00001.

Submission:

Labcorp Genetics (formerly Invitae), Labcorp
Classification: Uncertain significance. Last evaluated: 2023-01-14. Review status: criteria provided, single submitter. Criteria: Invitae Variant Classification Sherloc (09022015). Collection method: clinical testing. Allele origin: germline.
Comment: This sequence change replaces serine, which is neutral and polar, with phenylalanine, which is neutral and non-polar, at codon 127 of the PNLIP protein (p.Ser127Phe). This variant is not present in population databases (gnomAD no frequency). This variant has not been reported in the literature in individuals affected with PNLIP-related conditions. Advanced modeling of protein sequence and biophysical properties (such as structural, functional, and spatial information, amino acid conservation, physicochemical variation, residue mobility, and thermodynamic stability) performed at Invitae indicates that this missense variant is expected to disrupt PNLIP protein function. In summary, the available evidence is currently insufficient to determine the role of this variant in disease. Therefore, it has been classified as a Variant of Uncertain Significance.

NM_000936.4(PNLIP):c.380C>T (p.Ser127Phe)

Gene: PNLIP (pancreatic lipase; plus strand). Cytogenetic location: 10q25.3.
Variant type: single nucleotide variant.
Coding change: c.380C>T on transcript NM_000936.4 (MANE Select); coding-DNA position 380, C replaced by T.
Protein change: p.Ser127Phe; replaces serine 127 with phenylalanine.
Molecular consequence: missense variant.
Genome position (GRCh38, 1-based): chr10:116,551,153, C>T. VCF-style: chr10-116551153-C-T. GRCh37 (hg19) VCF-style: chr10-118310665-C-T.
Other names: short protein forms S127F.
Identifiers: ClinVar variation 2791865 (VCV002791865.3), dbSNP rs1297458369, ClinGen allele CA378492561.